The following is an entry in ClinVar:

NM_139058.3(ARX):c.229G>A (p.Ala77Thr)

Gene: ARX (aristaless related homeobox; minus strand). Cytogenetic location: Xp21.3.
Variant type: single nucleotide variant.
Coding change: c.229G>A on transcript NM_139058.3 (MANE Select); coding-DNA position 229, G replaced by A.
Protein change: p.Ala77Thr; replaces alanine 77 with threonine.
Molecular consequence: missense variant.
Genome position (GRCh38, 1-based): chrX:25,013,766, C>T on the plus strand (G>A on the coding strand, the complement: ARX is on the minus strand). VCF-style: chrX-25013766-C-T. GRCh37 (hg19) VCF-style: chrX-25031883-C-T.
Other names: short protein forms A77T.
Identifiers: ClinVar variation 2500058 (VCV002500058.2), dbSNP rs1327892955, ClinGen allele CA412613604.

ClinVar aggregate classification (germline): Uncertain significance. Review status: criteria provided, multiple submitters, no conflicts (2 of 4 stars). 2 submissions from 2 submitters: Uncertain significance (2). Last evaluated 2025-03-05.

Conditions:
Corpus callosum agenesis-abnormal genitalia syndrome. Also called: ACC WITH ABNORMAL GENITALIA; PROUD SYNDROME. Identifiers: Orphanet 2508, MedGen C0796124, MONDO:0010224, OMIM 300004.
Partington syndrome (PRTS). Also called: MENTAL RETARDATION, X-LINKED 36; MENTAL RETARDATION, X-LINKED, SYNDROMIC 1; MENTAL RETARDATION, X-LINKED, WITH DYSTONIC MOVEMENTS, ATAXIA, AND SEIZURES; Mental retardation-dystonic movements-ataxia-seizures syndrome. Identifiers: Orphanet 94083, MedGen C0796250, MONDO:0010654, OMIM 309510.
Developmental and epileptic encephalopathy, 1 (DEE1). Also called: INFANTILE SPASM SYNDROME, X-LINKED 1; X-linked infantile spasms; West's syndrome; Tonic spasms with clustering, arrest of psychomotor development and hypsarrhythmia on EEG; X-Linked Infantile Spasm Syndrome; Epileptic encephalopathy, early infantile, 1. Identifiers: MedGen C3463992, MONDO:0010632, OMIM 308350. Disease mechanism: loss of function.
Intellectual disability, X-linked, with or without seizures, ARX-related. Also called: MENTAL RETARDATION, X-LINKED 29; MENTAL RETARDATION, X-LINKED 32; MENTAL RETARDATION, X-LINKED 33; MENTAL RETARDATION, X-LINKED 38; MENTAL RETARDATION, X-LINKED 43; MENTAL RETARDATION, X-LINKED 76. Identifiers: Orphanet 777, MedGen C0796244, MONDO:0010317, OMIM 300419.
X-linked lissencephaly with abnormal genitalia. Identifiers: Orphanet 452, MedGen C1846171, MONDO:0010268, OMIM 300215.

Allele frequency attached by ClinVar (database versions not stated): gnomAD exomes below 0.00001; TOPMed 0.00002.
gnomAD v4.1: 2 of 929,519 alleles (0.00022%); highest among the groups gnomAD compares: East Asian, 0.0042%; no homozygotes.

Submissions (2):

Labcorp Genetics (formerly Invitae), Labcorp
Classification: Uncertain significance for Developmental and epileptic encephalopathy, 1; Intellectual disability, X-linked, with or without seizures, ARX-related. Last evaluated: 2025-03-05. Review status: criteria provided, single submitter. Criteria: Invitae Variant Classification Sherloc (09022015). Collection method: clinical testing. Allele origin: germline.
Comment: This sequence change replaces alanine, which is neutral and non-polar, with threonine, which is neutral and polar, at codon 77 of the ARX protein (p.Ala77Thr). The frequency data for this variant in the population databases is considered unreliable, as metrics indicate insufficient coverage at this position in the gnomAD database. This variant has not been reported in the literature in individuals affected with ARX-related conditions. ClinVar contains an entry for this variant (Variation ID: 2500058). Invitae Evidence Modeling of protein sequence and biophysical properties (such as structural, functional, and spatial information, amino acid conservation, physicochemical variation, residue mobility, and thermodynamic stability) indicates that this missense variant is expected to disrupt ARX protein function with a positive predictive value of 95%. In summary, the available evidence is currently insufficient to determine the role of this variant in disease. Therefore, it has been classified as a Variant of Uncertain Significance.

Center for Genomics, Ann and Robert H. Lurie Children's Hospital of Chicago
Classification: Uncertain significance for Corpus callosum agenesis-abnormal genitalia syndrome; X-linked lissencephaly with abnormal genitalia; Partington syndrome; Developmental and epileptic encephalopathy, 1; Intellectual disability, X-linked, with or without seizures, ARX-related. Last evaluated: 2022-08-18. Review status: criteria provided, single submitter. Criteria: ACMG Guidelines, 2015. Collection method: clinical testing. Allele origin: germline.
Comment: This variant has not been reported in the literature and is not present in large control databases. Evolutionary conservation and computational predictive tools suggest that this variant may not impact the protein. In summary, data on this variant is insufficient for disease classification. Therefore, the clinical significance of this variant is uncertain.